The following is an entry in ClinVar:

NM_017755.6(NSUN2):c.1511C>T (p.Pro504Leu)

Gene: NSUN2 (NOP2/Sun RNA methyltransferase 2; minus strand). Cytogenetic location: 5p15.31.
Variant type: single nucleotide variant.
Coding change: c.1511C>T on transcript NM_017755.6 (MANE Select); coding-DNA position 1511, C replaced by T.
Protein change: p.Pro504Leu; replaces proline 504 with leucine.
Molecular consequence: missense variant. On other transcripts: non-coding transcript variant (1).
Genome position (GRCh38, 1-based): chr5:6,606,910, G>A on the plus strand (C>T on the coding strand, the complement: NSUN2 is on the minus strand). VCF-style: chr5-6606910-G-A. GRCh37 (hg19) VCF-style: chr5-6607023-G-A.
Other names: c.1406C>T, p.Pro469Leu (NM_001193455.2); short protein forms P504L, P469L.
Identifiers: ClinVar variation 589050 (VCV000589050.5), dbSNP rs1333423261, ClinGen allele CA359117763.

ClinVar aggregate classification (germline): Uncertain significance (1 of 4 stars; one submission).

Conditions:
Inborn genetic diseases. Identifiers: MedGen C0950123, MeSH D030342.

Submission:

Ambry Genetics
Classification: Uncertain significance for Inborn genetic diseases. Last evaluated: 2017-05-11. Review status: criteria provided, single submitter. Criteria: Ambry Variant Classification Scheme 2023. Collection method: clinical testing. Allele origin: germline.
Comment: The p.P504L variant (also known as c.1511C>T), located in coding exon 14 of the NSUN2 gene, results from a C to T substitution at nucleotide position 1511. The proline at codon 504 is replaced by leucine, an amino acid with similar properties. This amino acid position is highly conserved in available vertebrate species. In addition, the in silico prediction for this alteration is inconclusive. Since supporting evidence is limited at this time, the clinical significance of this alteration remains unclear.